The following is an entry in ClinVar:

NM_007294.4(BRCA1):c.8T>G (p.Leu3Ter)

Gene: BRCA1 (BRCA1 DNA repair associated; minus strand). Cytogenetic location: 17q21.31.
Variant type: single nucleotide variant.
Coding change: c.8T>G on transcript NM_007294.4 (MANE Select); coding-DNA position 8, T replaced by G.
Protein change: p.Leu3Ter; replaces leucine 3 with a stop codon.
Molecular consequence: nonsense. On other transcripts: 5 prime UTR variant (1), non-coding transcript variant (1).
Genome position (GRCh38, 1-based): chr17:43,124,089, A>C on the plus strand (T>G on the coding strand, the complement: BRCA1 is on the minus strand). VCF-style: chr17-43124089-A-C. GRCh37 (hg19) VCF-style: chr17-41276106-A-C.
Other names: c.8T>G, p.Leu3Ter (NM_001407682.1, NM_001407683.1, NM_001407684.1 and 193 more transcripts); c.-250T>G (NM_001407694.1, NM_001407724.1, NM_001407727.1 and 11 more transcripts); c.-181T>G (NM_001407571.1, NM_001407853.1, NM_001407879.1 and 46 more transcripts); c.-254T>G (NM_001407695.1, NM_001408465.1); c.-395T>G (NM_001407696.1); c.-279T>G (NM_001407697.1, NM_001407846.1, NM_001407920.1); c.-80T>G (NM_001407698.1, NM_001407732.1, NM_001407736.1 and 23 more transcripts); c.-253T>G (NM_001407725.1, NM_001407730.1, NM_001407734.1 and 22 more transcripts); and 8 more; short protein forms L3*.
Identifiers: ClinVar variation 55746 (VCV000055746.9), dbSNP rs397509332, ClinGen allele CA003956.

ClinVar aggregate classification (germline): Pathogenic. Review status: reviewed by expert panel (3 of 4 stars). 3 submissions from 3 submitters: Pathogenic (1). 2 of the submissions do not count toward it. Last evaluated 2017-12-15.

Conditions:
Familial cancer of breast. Also called: hereditary breast carcinoma; BREAST CANCER, FAMILIAL; Hereditary breast cancer. Identifiers: Orphanet 227535, MedGen C0346153, MONDO:0016419, OMIM 114480. Disease mechanism: loss of function.
Breast-ovarian cancer, familial, susceptibility to, 1 (BROVCA1). Also called: BRCA1 Hereditary Breast and Ovarian Cancer; OVARIAN CANCER, SUSCEPTIBILITY TO. Identifiers: Orphanet 145, MedGen C2676676, MONDO:0011450, OMIM 604370. Disease mechanism: loss of function.
Hereditary cancer-predisposing syndrome. Also called: Hereditary Cancer Syndrome; Hereditary neoplastic syndrome; Neoplastic Syndromes, Hereditary; Tumor predisposition. Identifiers: Orphanet 140162, MedGen C0027672, MeSH D009386, MONDO:0015356.

Submissions (4):

Evidence-based Network for the Interpretation of Germline Mutant Alleles (ENIGMA)
Classification: Pathogenic for Breast-ovarian cancer, familial, susceptibility to, 1. Last evaluated: 2017-12-15. Review status: reviewed by expert panel. Criteria: ENIGMA BRCA1/2 Classification Criteria (2017-06-29). Collection method: curation. Allele origin: germline. Study: ENIGMA.
Comment: Variant allele predicted to encode a truncated non-functional protein.

Ambry Genetics
Classification: Pathogenic for Hereditary cancer-predisposing syndrome. Last evaluated: 2016-05-19. Review status: criteria provided, single submitter. Criteria: Ambry Variant Classification Scheme 2023. Collection method: clinical testing. Allele origin: germline. Not counted in ClinVar's aggregate classification.
Comment: The p.L3* pathogenic mutation (also known as c.8T>G), located in coding exon 1 of the BRCA1 gene, results from a T to G substitution at nucleotide position 8. This changes the amino acid from a leucine to a stop codon within coding exon 1. This mutation has been reported in an Iranian breast cancer family in which the mutation segregated in all breast cancer-affected individuals (Keshavarzi F et al. Fam Cancer. 2012 Mar; 11(1):57-67). In addition to the clinical data presented in the literature, since premature stop codons are typically deleterious in nature, this alteration is interpreted as a disease-causing mutation (ACMG Recommendations for Standards for Interpretation and Reporting of Sequence Variations. Revision 2007. Genet Med. 2008;10:294).

Brotman Baty Institute, University of Washington
No classification provided (evidence only). Condition: Breast-ovarian cancer, familial 1. Review status: no classification provided. Collection method: in vitro. Allele origin: not applicable. Functional consequence: functionally_abnormal. Not counted in ClinVar's aggregate classification.
ClinVar note: "not provided" was previously submitted as the classification for the variant. However, the classification appeared to be based only on an observation of functional data so it was converted to no classification on 2025-07-30.

ClinVar Staff, National Center for Biotechnology Information (NCBI)
No classification provided. Condition: Familial cancer of breast. Review status: no classification provided. Collection method: literature only. Allele origin: germline. Affected: yes. Not counted in ClinVar's aggregate classification.

Literature cited by the submitters: PubMed 21918854 (cited by Ambry Genetics and ClinVar Staff, National Center for Biotechnology Information (NCBI)).